The following is an entry in ClinVar:

NM_183065.4(TMEM107):c.*764A>C

Gene: TMEM107 (transmembrane protein 107; minus strand). Cytogenetic location: 17p13.1.
Variant type: single nucleotide variant.
Coding change: c.*764A>C on transcript NM_183065.4 (MANE Select); 764 bases downstream of the stop codon, A replaced by C.
Molecular consequence: 3 prime UTR variant. On other transcripts: non-coding transcript variant (1).
Genome position (GRCh38, 1-based): chr17:8,173,439, T>G on the plus strand (A>C on the coding strand, the complement: TMEM107 is on the minus strand). VCF-style: chr17-8173439-T-G. GRCh37 (hg19) VCF-style: chr17-8076757-T-G.
Other names: c.*764A>C (NM_001351278.2, NM_001351279.2, NM_001351280.2 and 1 more transcripts).
Identifiers: ClinVar variation 3030972 (VCV003030972.2), dbSNP rs115989975, ClinGen allele CA8370530.

ClinVar aggregate classification (germline): Likely benign (0 of 4 stars; one submission).

Conditions:
TMEM107-related disorder. Also called: TMEM107-related condition.

Allele frequency attached by ClinVar (database versions not stated): 1000 Genomes Project 0.00100; 1000 Genomes Project 30x 0.00109.

Submission:

PreventionGenetics, part of Exact Sciences
Classification: Likely benign for TMEM107-related condition. Last evaluated: 2023-05-22. Review status: no assertion criteria provided. Collection method: clinical testing. Allele origin: germline.
Comment: This variant is classified as likely benign based on ACMG/AMP sequence variant interpretation guidelines (Richards et al. 2015 PMID: 25741868, with internal and published modifications).